The following is an entry in ClinVar:

ClinVar aggregate classification (germline): Likely benign. Review status: criteria provided, single submitter (1 of 4 stars). 2 submissions from 2 submitters: Likely benign (1). 1 of the submissions does not count toward it. Last evaluated 2025-06-19.

Conditions:
TALDO1-related disorder. Also called: TALDO1-related condition.

Submissions (2):

Labcorp Genetics (formerly Invitae), Labcorp
Classification: Likely benign. Last evaluated: 2025-06-19. Review status: criteria provided, single submitter. Criteria: Invitae Variant Classification Sherloc (09022015). Collection method: clinical testing. Allele origin: germline.

PreventionGenetics, part of Exact Sciences
Classification: Likely benign for TALDO1-related condition. Last evaluated: 2024-07-21. Review status: no assertion criteria provided. Collection method: clinical testing. Allele origin: germline. Not counted in ClinVar's aggregate classification.
Comment: This variant is classified as likely benign based on ACMG/AMP sequence variant interpretation guidelines (Richards et al. 2015 PMID: 25741868, with internal and published modifications).

NM_006755.2(TALDO1):c.982-8_982-5del

Gene: TALDO1 (transaldolase 1; plus strand). Cytogenetic location: 11p15.5.
Variant type: Microsatellite.
Coding change: c.982-8_982-5del on transcript NM_006755.2 (MANE Select); 8 bases into the intron before coding-DNA position 982 through 5 bases into the intron before coding-DNA position 982, 4 bases deleted (GTTT; older notation c.982-8_982-5delGTTT).
Molecular consequence: intron variant.
Genome position (GRCh38, 1-based): chr11:764,805-764,808, GTTT deleted; deleting any 4 consecutive bases within chr11:764,800-764,808 gives the same sequence; the c. name uses the placement nearest the transcript's 3' end. VCF-style (leftmost placement, unchanged base first): chr11-764799-CTGTT-C. GRCh37 (hg19) VCF-style: chr11-764799-CTGTT-C.
Identifiers: ClinVar variation 306141 (VCV000306141.10), dbSNP rs773135701, ClinGen allele CA5788403.